The following is an entry in ClinVar:

ClinVar aggregate classification (germline): Uncertain significance (1 of 4 stars; one submission).

Conditions:
DOCK2 deficiency. Also called: Immunodeficiency 40. Identifiers: Orphanet 447737, MedGen C4225328, MONDO:0014637, OMIM 616433.

Allele frequency attached by ClinVar (database versions not stated): gnomAD exomes below 0.00001 and 0.00001; TOPMed below 0.00001; ExAC 0.00002.
gnomAD v4.1: 2 of 1,613,992 alleles (0.00012%); highest among the groups gnomAD compares: Non-Finnish European, 0.00017%; no homozygotes.

Submission:

Labcorp Genetics (formerly Invitae), Labcorp
Classification: Uncertain significance for DOCK2 deficiency. Last evaluated: 2022-07-23. Review status: criteria provided, single submitter. Criteria: Invitae Variant Classification Sherloc (09022015). Collection method: clinical testing. Allele origin: germline.
Comment: This sequence change replaces aspartic acid, which is acidic and polar, with alanine, which is neutral and non-polar, at codon 1454 of the DOCK2 protein (p.Asp1454Ala). This variant is present in population databases (rs779110995, gnomAD 0.002%). This variant has not been reported in the literature in individuals affected with DOCK2-related conditions. ClinVar contains an entry for this variant (Variation ID: 580078). Algorithms developed to predict the effect of missense changes on protein structure and function are either unavailable or do not agree on the potential impact of this missense change (SIFT: "Tolerated"; PolyPhen-2: "Possibly Damaging"; Align-GVGD: "Class C0"). In summary, the available evidence is currently insufficient to determine the role of this variant in disease. Therefore, it has been classified as a Variant of Uncertain Significance.

NM_004946.3(DOCK2):c.4361A>C (p.Asp1454Ala)

Gene: DOCK2 (dedicator of cytokinesis 2; plus strand). Cytogenetic location: 5q35.1.
Variant type: single nucleotide variant.
Coding change: c.4361A>C on transcript NM_004946.3 (MANE Select); coding-DNA position 4361, A replaced by C.
Protein change: p.Asp1454Ala; replaces aspartic acid 1454 with alanine.
Molecular consequence: missense variant. On other transcripts: non-coding transcript variant (1).
Genome position (GRCh38, 1-based): chr5:170,056,749, A>C. VCF-style: chr5-170056749-A-C. GRCh37 (hg19) VCF-style: chr5-169483753-A-C.
Other names: c.4361A>C, p.Asp1454Ala (LRG_1227t1); short protein forms D1454A.
Identifiers: ClinVar variation 580078 (VCV000580078.7), dbSNP rs779110995, ClinGen allele CA3554520.